The following is an entry in ClinVar:

NM_000186.4(CFH):c.1789T>C (p.Cys597Arg)

Gene: CFH (complement factor H; plus strand). Cytogenetic location: 1q31.3.
Variant type: single nucleotide variant.
Coding change: c.1789T>C on transcript NM_000186.4 (MANE Select); coding-DNA position 1789, T replaced by C.
Protein change: p.Cys597Arg; replaces cysteine 597 with arginine.
Molecular consequence: missense variant.
Genome position (GRCh38, 1-based): chr1:196,725,213, T>C. VCF-style: chr1-196725213-T-C. GRCh37 (hg19) VCF-style: chr1-196694343-T-C.
Other names: short protein forms C597R.
Identifiers: ClinVar variation 4291422 (VCV004291422.3).
Genomic context (GRCh38, chr1:196,725,213, plus strand): 5'-CACTTAGTTCCTGATCGCAAGAAAGACCAGTATAAAGTTGGAGAGGTGTTGAAATTCTCC[T>C]GCAAACCAGGATTTACAATAGTTGGACCTAATTCCGTTCAGTGCTACCACTTTGGATTGT-3'
Protein context (NP_000177.2, residues 587-607): YKVGEVLKFS[Cys597Arg]KPGFTIVGPN

ClinVar aggregate classification (germline): Likely pathogenic (1 of 4 stars; one submission).

Conditions:
Atypical hemolytic-uremic syndrome. Identifiers: Orphanet 2134, MedGen C2931788, MONDO:0016244.
Factor H deficiency (CFHD). Also called: COMPLEMENT FACTOR H DEFICIENCY; CFH DEFICIENCY. Identifiers: Orphanet 200421, MedGen C0398777, MONDO:0012350, OMIM 609814.

Submission:

Genomenon, Inc
Classification: Likely pathogenic for Atypical hemolytic-uremic syndrome; Factor H deficiency. Last evaluated: 2026-09-17. Review status: criteria provided, single submitter. Criteria: Genomenon Sequence Variant Interpretation Standards - Updated. Collection method: curation. Allele origin: germline. Affected: yes.
Comment: CFH p.Cys597Arg (c.1789T>C) is a missense variant that changes the amino acid at codon 597 from cysteine to arginine. This variant has been observed in at least one proband affected with a CFH-related disorder (PMID: 22456601; 30890598; 27799617; 21396679). It is absent or not present at a significant frequency in gnomAD. In silico models predict that this variant is possibly or probably damaging. In conclusion, we classify CFH p.Cys597Arg (c.1789T>C) as a likely pathogenic variant.

Literature cited by the submitters: PubMed 22456601; PubMed 30890598; PubMed 27799617; PubMed 21396679.